The following is an entry in ClinVar:

NM_001170629.2(CHD8):c.6079G>A (p.Glu2027Lys)

Gene: CHD8 (chromodomain helicase DNA binding protein 8; minus strand). Cytogenetic location: 14q11.2.
Variant type: single nucleotide variant.
Coding change: c.6079G>A on transcript NM_001170629.2 (MANE Select); coding-DNA position 6079, G replaced by A.
Protein change: p.Glu2027Lys; replaces glutamic acid 2027 with lysine.
Molecular consequence: missense variant.
Genome position (GRCh38, 1-based): chr14:21,393,716, C>T on the plus strand (G>A on the coding strand, the complement: CHD8 is on the minus strand). VCF-style: chr14-21393716-C-T. GRCh37 (hg19) VCF-style: chr14-21861875-C-T.
Other names: c.5242G>A, p.Glu1748Lys (NM_020920.4); short protein forms E1748K, E2027K.
Identifiers: ClinVar variation 3900144 (VCV003900144.1).
Genomic context (GRCh38, chr14:21,393,716, plus strand): 5'-GGGATACTCGCATCTCATAGTCTTGTGGGGTTGGTCGGCTCCTGGCCACCACCTCGTGCT[C>T]TAGCTTTAAAGTCAGACTCTCCAGACTGGGGACCTGGGTAGCTGTCTCCTCGGGTGACTT-3'
Protein context (NP_001164100.1, residues 2017-2037): PSLESLTLKL[Glu2027Lys]HEVVARSRPT

ClinVar aggregate classification (germline): Uncertain significance (1 of 4 stars; one submission).

Submission:

GeneDx
Classification: Uncertain significance. Last evaluated: 2024-11-23. Review status: criteria provided, single submitter. Criteria: GeneDx Variant Classification Process June 2021. Collection method: clinical testing. Allele origin: germline. Affected: yes.
Comment: Not observed at significant frequency in large population cohorts (gnomAD); In silico analysis indicates that this missense variant does not alter protein structure/function; Has not been previously published as pathogenic or benign to our knowledge